The following is an entry in ClinVar:

NM_012330.4(KAT6B):c.907C>T (p.Pro303Ser)

Gene: KAT6B (lysine acetyltransferase 6B; plus strand). Cytogenetic location: 10q22.2.
Variant type: single nucleotide variant.
Coding change: c.907C>T on transcript NM_012330.4 (MANE Select); coding-DNA position 907, C replaced by T.
Protein change: p.Pro303Ser; replaces proline 303 with serine.
Molecular consequence: missense variant. On other transcripts: intron variant (3).
Genome position (GRCh38, 1-based): chr10:74,970,080, C>T. VCF-style: chr10-74970080-C-T. GRCh37 (hg19) VCF-style: chr10-76729838-C-T.
Other names: c.907C>T, p.Pro303Ser (NM_001256468.2, NM_001256469.2, NM_001370132.1 and 9 more transcripts); c.846+305C>T (NM_001370133.1); c.193-9144C>T (NM_001370134.1); c.192+10002C>T (NM_001370135.1); short protein forms P303S.
Identifiers: ClinVar variation 2575011 (VCV002575011.1), dbSNP rs2548924582, ClinGen allele CA377282575.
Genomic context (GRCh38, chr10:74,970,080, plus strand): 5'-GATAATATGCTTTTTTGTGATTCCTGTGATAGAGGATTTCATATGGAATGCTGTGACCCA[C>T]CACTTTCCAGAATGCCAAAAGGTGAACTTCTAAACTGTACTAAAAATGTATTTTATTACA-3'
Protein context (NP_036462.2, residues 293-313): RGFHMECCDP[Pro303Ser]LSRMPKGMWI

ClinVar aggregate classification (germline): Uncertain significance (1 of 4 stars; one submission).

Submission:

GeneDx
Classification: Uncertain significance. Last evaluated: 2023-02-01. Review status: criteria provided, single submitter. Criteria: GeneDx Variant Classification Process June 2021. Collection method: clinical testing. Allele origin: germline. Affected: yes.
Comment: Not observed at significant frequency in large population cohorts (gnomAD); In silico analysis supports that this missense variant has a deleterious effect on protein structure/function; Has not been previously published as pathogenic or benign to our knowledge